The following is an entry in ClinVar:

ClinVar aggregate classification (germline): Uncertain significance. Review status: criteria provided, multiple submitters, no conflicts (2 of 4 stars). 2 submissions from 2 submitters: Uncertain significance (2). Last evaluated 2023-05-14.

Conditions:
Ehlers-Danlos syndrome (EDS). Identifiers: Orphanet 98249, MedGen C0013720, MONDO:0020066.
Cardiovascular phenotype. Identifiers: MedGen CN230736.

Allele frequency attached by ClinVar (database versions not stated): TOPMed 0.00004.
gnomAD v4.1: 35 of 1,575,024 alleles (0.0022%); highest among the groups gnomAD compares: South Asian, 0.0093%; no homozygotes.

Submissions (2):

Ambry Genetics
Classification: Uncertain significance for Cardiovascular phenotype. Last evaluated: 2023-05-14. Review status: criteria provided, single submitter. Criteria: Ambry Variant Classification Scheme 2023. Collection method: clinical testing. Allele origin: germline.
Comment: The p.R3322C variant (also known as c.9964C>T), located in coding exon 28 of the TNXB gene, results from a C to T substitution at nucleotide position 9964. The arginine at codon 3322 is replaced by cysteine, an amino acid with highly dissimilar properties. This amino acid position is conserved. In addition, this alteration is predicted to be tolerated by in silico analysis. Since supporting evidence is limited at this time, the clinical significance of this alteration remains unclear.

Genome Diagnostics Laboratory, The Hospital for Sick Children
Classification: Uncertain significance for Ehlers-Danlos syndrome. Last evaluated: 2021-04-28. Review status: criteria provided, single submitter. Criteria: ACMG Guidelines, 2015. Collection method: clinical testing. Allele origin: germline.

NM_001365276.2(TNXB):c.9970C>T (p.Arg3324Cys)

Gene: TNXB (tenascin XB; minus strand). Cytogenetic location: 6p21.33.
Variant type: single nucleotide variant.
Coding change: c.9970C>T on transcript NM_001365276.2 (MANE Select); coding-DNA position 9970, C replaced by T.
Protein change: p.Arg3324Cys; replaces arginine 3324 with cysteine.
Molecular consequence: missense variant.
Genome position (GRCh38, 1-based): chr6:32,048,438, G>A on the plus strand (C>T on the coding strand, the complement: TNXB is on the minus strand). VCF-style: chr6-32048438-G-A. GRCh37 (hg19) VCF-style: chr6-32016215-G-A.
Other names: c.9964C>T, p.Arg3322Cys (NM_019105.8); short protein forms R3322C, R3324C.
Identifiers: ClinVar variation 1702365 (VCV001702365.5), dbSNP rs768943895, ClinGen allele CA3733354.